The following is an entry in ClinVar:

ClinVar aggregate classification (germline): Uncertain significance (1 of 4 stars; one submission).

Conditions:
Progressive familial heart block type IB (PFHB1B). Identifiers: Orphanet 871, MedGen C1970298, MONDO:0011474, OMIM 604559.

Submission:

Labcorp Genetics (formerly Invitae), Labcorp
Classification: Uncertain significance for Progressive familial heart block type IB. Last evaluated: 2024-11-28. Review status: criteria provided, single submitter. Criteria: Invitae Variant Classification Sherloc (09022015). Collection method: clinical testing. Allele origin: germline.
Comment: This sequence change replaces leucine, which is neutral and non-polar, with valine, which is neutral and non-polar, at codon 425 of the TRPM4 protein (p.Leu425Val). This variant is not present in population databases (gnomAD no frequency). This variant has not been reported in the literature in individuals affected with TRPM4-related conditions. An algorithm developed to predict the effect of missense changes on protein structure and function (PolyPhen-2) suggests that this variant is likely to be disruptive. In summary, the available evidence is currently insufficient to determine the role of this variant in disease. Therefore, it has been classified as a Variant of Uncertain Significance.

NM_017636.4(TRPM4):c.1273C>G (p.Leu425Val)

Gene: TRPM4 (transient receptor potential cation channel subfamily M member 4; plus strand). Cytogenetic location: 19q13.33.
Variant type: single nucleotide variant.
Coding change: c.1273C>G on transcript NM_017636.4 (MANE Select); coding-DNA position 1273, C replaced by G.
Protein change: p.Leu425Val; replaces leucine 425 with valine.
Molecular consequence: missense variant. On other transcripts: 5 prime UTR variant (1).
Genome position (GRCh38, 1-based): chr19:49,182,587, C>G. VCF-style: chr19-49182587-C-G. GRCh37 (hg19) VCF-style: chr19-49685844-C-G.
Other names: c.1273C>G, p.Leu425Val (NM_001195227.2); c.928C>G, p.Leu310Val (NM_001321281.2); c.-281C>G (NM_001321282.2); c.751C>G, p.Leu251Val (NM_001321283.2); c.211C>G, p.Leu71Val (NM_001321285.2); short protein forms L310V, L425V, L71V, L251V.
Identifiers: ClinVar variation 3703029 (VCV003703029.2).
Genomic context (GRCh38, chr19:49,182,587, plus strand): 5'-TGTCCTTAACCTTTGAGCTAATCTCTTCCCCTATTCATCCCACCCTGCCAGTCCTTCCAT[C>G]TCGAAGCTTCCCTCATGGACGCCCTGCTGAATGACCGGCCTGAGTTCGTGCGCTTGCTCA-3'
Protein context (NP_060106.2, residues 415-435): RGDIQWRSFH[Leu425Val]EASLMDALLN